The following is an entry in ClinVar:

ClinVar aggregate classification (germline): Uncertain significance. Review status: criteria provided, multiple submitters, no conflicts (2 of 4 stars). 3 submissions from 3 submitters: Uncertain significance (3). Last evaluated 2025-01-03.

Conditions:
Cardiovascular phenotype. Identifiers: MedGen CN230736.
Hereditary cancer-predisposing syndrome. Also called: Neoplastic Syndromes, Hereditary; Tumor predisposition; Hereditary Cancer Syndrome; Hereditary neoplastic syndrome. Identifiers: Orphanet 140162, MedGen C0027672, MeSH D009386, MONDO:0015356.

Submissions (3):

GeneDx
Classification: Uncertain significance. Last evaluated: 2025-01-03. Review status: criteria provided, single submitter. Criteria: GeneDx Variant Classification Process June 2021. Collection method: clinical testing. Allele origin: germline. Affected: yes.
Comment: Not observed at significant frequency in large population cohorts (gnomAD); In silico analysis supports a deleterious effect on splicing; Has not been previously published as pathogenic or benign to our knowledge

Labcorp Genetics (formerly Invitae), Labcorp
Classification: Uncertain significance. Last evaluated: 2024-03-23. Review status: criteria provided, single submitter. Criteria: Invitae Variant Classification Sherloc (09022015). Collection method: clinical testing. Allele origin: germline.
Comment: This sequence change falls in intron 11 of the LZTR1 gene. It does not directly change the encoded amino acid sequence of the LZTR1 protein. It affects a nucleotide within the consensus splice site. This variant is not present in population databases (gnomAD no frequency). This variant has not been reported in the literature in individuals affected with LZTR1-related conditions. ClinVar contains an entry for this variant (Variation ID: 1762887). Variants that disrupt the consensus splice site are a relatively common cause of aberrant splicing (PMID: 17576681, 9536098). Algorithms developed to predict the effect of sequence changes on RNA splicing suggest that this variant may disrupt the consensus splice site. In summary, the available evidence is currently insufficient to determine the role of this variant in disease. Therefore, it has been classified as a Variant of Uncertain Significance.

Ambry Genetics
Classification: Uncertain significance for Cardiovascular phenotype; Hereditary cancer-predisposing syndrome. Last evaluated: 2022-07-01. Review status: criteria provided, single submitter. Criteria: Ambry Variant Classification Scheme 2023. Collection method: clinical testing. Allele origin: germline.
Comment: The c.1260+5G>A intronic variant results from a G to A substitution 5 nucleotides after coding exon 11 in the LZTR1 gene. This nucleotide position is highly conserved in available vertebrate species. In silico splice site analysis predicts that this alteration will result in the creation or strengthening of a novel splice donor site. RNA studies have demonstrated that this alteration results in a transcript predicted to lead to a protein with an in-frame deletion of 37 amino acids; however, the exact functional impact of the deleted amino acids is unknown at this time (Ambry internal data). Since supporting evidence is limited at this time, the clinical significance of this alteration remains unclear.

Literature cited by the submitters: PubMed 17576681 (cited by Labcorp Genetics (formerly Invitae), Labcorp); PubMed 9536098 (cited by Labcorp Genetics (formerly Invitae), Labcorp).

NM_006767.4(LZTR1):c.1260+5G>A

Gene: LZTR1 (leucine zipper like post translational regulator 1; plus strand). Cytogenetic location: 22q11.21.
Variant type: single nucleotide variant.
Coding change: c.1260+5G>A on transcript NM_006767.4 (MANE Select); 5 bases into the intron after coding-DNA position 1260, G replaced by A.
Molecular consequence: intron variant.
Genome position (GRCh38, 1-based): chr22:20,992,909, G>A. VCF-style: chr22-20992909-G-A. GRCh37 (hg19) VCF-style: chr22-21347198-G-A.
Identifiers: ClinVar variation 1762887 (VCV001762887.5), dbSNP rs771964511, ClinGen allele CA2580099244.
Genomic context (GRCh38, chr22:20,992,909, plus strand): 5'-TCTTCGGGGGCACGGTGGACAACAACATCCGCAGCGGGGAGATGTACAGGTTCCAGGTGT[G>A]GGGCCTGTGGGCCTGTAGAGCCGGCTGGGTGGACGGATCCCCCGTGATGAGAAACTGAGG-3'